The following is an entry in ClinVar:

ClinVar aggregate classification (germline): Uncertain significance. Review status: criteria provided, multiple submitters, no conflicts (2 of 4 stars). 2 submissions from 2 submitters: Uncertain significance (2). Last evaluated 2025-04-13.

Conditions:
Inborn genetic diseases. Identifiers: MedGen C0950123, MeSH D030342.

Allele frequency attached by ClinVar (database versions not stated): ExAC 0.00002; gnomAD 0.00003; TOPMed 0.00004; 1000 Genomes Project 30x 0.00016; 1000 Genomes Project 0.00020.
gnomAD v4.1: 18 of 1,612,860 alleles (0.0011%); highest among the groups gnomAD compares: African/African-American, 0.0067%; no homozygotes.

Submissions (2):

Ambry Genetics
Classification: Uncertain significance for Inborn genetic diseases. Last evaluated: 2025-04-13. Review status: criteria provided, single submitter. Criteria: Ambry Variant Classification Scheme 2023. Collection method: clinical testing. Allele origin: germline.

GeneDx
Classification: Uncertain significance. Last evaluated: 2023-01-31. Review status: criteria provided, single submitter. Criteria: GeneDx Variant Classification Process June 2021. Collection method: clinical testing. Allele origin: germline. Affected: yes.
Comment: In silico analysis supports that this missense variant does not alter protein structure/function; Has not been previously published as pathogenic or benign to our knowledge

NM_001080476.3(GRXCR1):c.502G>A (p.Val168Ile)

Gene: GRXCR1 (glutaredoxin and cysteine rich domain containing 1; plus strand). Cytogenetic location: 4p13.
Variant type: single nucleotide variant.
Coding change: c.502G>A on transcript NM_001080476.3 (MANE Select); coding-DNA position 502, G replaced by A.
Protein change: p.Val168Ile; replaces valine 168 with isoleucine.
Molecular consequence: missense variant.
Genome position (GRCh38, 1-based): chr4:42,963,009, G>A. VCF-style: chr4-42963009-G-A. GRCh37 (hg19) VCF-style: chr4-42965026-G-A.
Other names: short protein forms V168I.
Identifiers: ClinVar variation 2428969 (VCV002428969.4), dbSNP rs577521620, ClinGen allele CA2904425.